The following is an entry in ClinVar:

NM_001692.4(ATP6V1B1):c.83C>T (p.Ala28Val)

Gene: ATP6V1B1 (ATPase H+ transporting V1 subunit B1; plus strand). Cytogenetic location: 2p13.3.
Variant type: single nucleotide variant.
Coding change: c.83C>T on transcript NM_001692.4 (MANE Select); coding-DNA position 83, C replaced by T.
Protein change: p.Ala28Val; replaces alanine 28 with valine.
Molecular consequence: missense variant.
Genome position (GRCh38, 1-based): chr2:70,936,037, C>T. VCF-style: chr2-70936037-C-T. GRCh37 (hg19) VCF-style: chr2-71163167-C-T.
Other names: short protein forms A28V.
Identifiers: ClinVar variation 3131897 (VCV003131897.3), dbSNP rs200569195, ClinGen allele CA1700830.
Genomic context (GRCh38, chr2:70,936,037, plus strand): 5'-GGCCTGGGGGGCTCCCCGGCAGTAGCTGCAACCTAGGTGCAGCCCGAGAACACATGCAGG[C>T]GGTCACCCGAAACTACATCACCCACCCCCGTGTCAGTGAGTAGCCCCTCCACCGTGACGG-3'
Protein context (NP_001683.2, residues 18-38): NLGAAREHMQ[Ala28Val]VTRNYITHPR

ClinVar aggregate classification (germline): Uncertain significance. Review status: criteria provided, multiple submitters, no conflicts (2 of 4 stars). 3 submissions from 3 submitters: Uncertain significance (3). Last evaluated 2024-09-11.

Conditions:
Inborn genetic diseases. Identifiers: MedGen C0950123, MeSH D030342.

Allele frequency attached by ClinVar (database versions not stated): gnomAD 0.00003; 1000 Genomes Project 0.00020; 1000 Genomes Project 30x 0.00047.
gnomAD v4.1: 91 of 1,614,008 alleles (0.0056%); highest among the groups gnomAD compares: Admixed American, 0.0083%; no homozygotes.

Submissions (3):

Blueprint Genetics
Classification: Uncertain significance. Last evaluated: 2024-09-11. Review status: criteria provided, single submitter. Criteria: ACMG Guidelines, 2015. Collection method: clinical testing. Allele origin: germline.

GeneDx
Classification: Uncertain significance. Last evaluated: 2024-05-28. Review status: criteria provided, single submitter. Criteria: GeneDx Variant Classification Process June 2021. Collection method: clinical testing. Allele origin: germline. Affected: yes.
Comment: Not observed at significant frequency in large population cohorts (gnomAD); In silico analysis indicates that this missense variant does not alter protein structure/function; Has not been previously published as pathogenic or benign to our knowledge

Ambry Genetics
Classification: Uncertain significance for Inborn genetic diseases. Last evaluated: 2023-12-20. Review status: criteria provided, single submitter. Criteria: Ambry Variant Classification Scheme 2023. Collection method: clinical testing. Allele origin: germline.